The following is an entry in ClinVar:

ClinVar aggregate classification (germline): Uncertain significance (1 of 4 stars; one submission).

gnomAD v4.1: 4 of 1,612,394 alleles (0.00025%); highest among the groups gnomAD compares: Non-Finnish European, 0.00034%; no homozygotes.

Submission:

GeneDx
Classification: Uncertain significance. Last evaluated: 2026-10-01. Review status: criteria provided, single submitter. Criteria: GeneDx Variant Classification Process June 2021. Collection method: clinical testing. Allele origin: germline.
Comment: Not observed at significant frequency in large population cohorts (gnomAD); In silico analysis suggests that this missense variant does not alter protein structure/function; Has not been previously published as pathogenic or benign to our knowledge

NM_001366385.1(CARD14):c.1838C>T (p.Thr613Ile)

Gene: CARD14 (caspase recruitment domain family member 14; plus strand). Cytogenetic location: 17q25.3.
Variant type: single nucleotide variant.
Coding change: c.1838C>T on transcript NM_001366385.1 (MANE Select); coding-DNA position 1838, C replaced by T.
Protein change: p.Thr613Ile; replaces threonine 613 with isoleucine.
Molecular consequence: missense variant. On other transcripts: non-coding transcript variant (1).
Genome position (GRCh38, 1-based): chr17:80,198,578, C>T. VCF-style: chr17-80198578-C-T. GRCh37 (hg19) VCF-style: chr17-78172377-C-T.
Other names: c.1838C>T, p.Thr613Ile (NM_001257970.1, NM_024110.4); c.1127C>T, p.Thr376Ile (NM_052819.3); short protein forms T376I, T613I.
Identifiers: ClinVar variation 2136148 (VCV002136148.2), dbSNP rs1272483924, ClinGen allele CA401351429.
Genomic context (GRCh38, chr17:80,198,578, plus strand): 5'-TCTTCATCCACCGGGTCACCCCGGGCTCGGCGGCGGACCAGATGGCCTTGCGCCCGGGCA[C>T]CCAGATTGTGATGGTGAGCCGTGCGAGGCCCCTCCTGTCCCCCGGGCTCCTCATGGGGAC-3'
Protein context (NP_001353314.1, residues 603-623): AADQMALRPG[Thr613Ile]QIVMVDYEAS